The following is an entry in ClinVar:

ClinVar aggregate classification (germline): Uncertain significance (1 of 4 stars; one submission).

Allele frequency attached by ClinVar (database versions not stated): ExAC 0.00001.

Submission:

Labcorp Genetics (formerly Invitae), Labcorp
Classification: Uncertain significance. Last evaluated: 2023-01-01. Review status: criteria provided, single submitter. Criteria: Invitae Variant Classification Sherloc (09022015). Collection method: clinical testing. Allele origin: germline.
Comment: In summary, the available evidence is currently insufficient to determine the role of this variant in disease. Therefore, it has been classified as a Variant of Uncertain Significance. Algorithms developed to predict the effect of missense changes on protein structure and function (SIFT, PolyPhen-2, Align-GVGD) all suggest that this variant is likely to be tolerated. This variant has not been reported in the literature in individuals affected with RPL19-related conditions. The frequency data for this variant in the population databases is considered unreliable, as metrics indicate poor data quality at this position in the gnomAD database. This sequence change replaces isoleucine, which is neutral and non-polar, with methionine, which is neutral and non-polar, at codon 184 of the RPL19 protein (p.Ile184Met).

NM_000981.4(RPL19):c.552C>G (p.Ile184Met)

Gene: RPL19 (ribosomal protein L19; plus strand). Cytogenetic location: 17q12.
Variant type: single nucleotide variant.
Coding change: c.552C>G on transcript NM_000981.4 (MANE Select); coding-DNA position 552, C replaced by G.
Protein change: p.Ile184Met; replaces isoleucine 184 with methionine.
Molecular consequence: missense variant.
Genome position (GRCh38, 1-based): chr17:39,204,609, C>G. VCF-style: chr17-39204609-C-G. GRCh37 (hg19) VCF-style: chr17-37360862-C-G.
Other names: c.546C>G, p.Ile182Met (NM_001330200.1); short protein forms I182M, I184M.
Identifiers: ClinVar variation 2990217 (VCV002990217.3), dbSNP rs11554155, ClinGen allele CA8528970.